The following is an entry in ClinVar:

NM_004599.4(SREBF2):c.1311C>A (p.Asp437Glu)

Gene: SREBF2 (sterol regulatory element binding transcription factor 2; plus strand). Cytogenetic location: 22q13.2.
Variant type: single nucleotide variant.
Coding change: c.1311C>A on transcript NM_004599.4 (MANE Select); coding-DNA position 1311, C replaced by A.
Protein change: p.Asp437Glu; replaces aspartic acid 437 with glutamic acid.
Molecular consequence: missense variant. On other transcripts: non-coding transcript variant (1).
Genome position (GRCh38, 1-based): chr22:41,875,649, C>A. VCF-style: chr22-41875649-C-A. GRCh37 (hg19) VCF-style: chr22-42271653-C-A.
Other names: c.1311C>A (NM_004599.3); short protein forms D437E.
Identifiers: ClinVar variation 3169915 (VCV003169915.2), dbSNP rs74805968, ClinGen allele CA10261611.

ClinVar aggregate classification (germline): Conflicting classifications of pathogenicity. Review status: criteria provided, conflicting classifications (1 of 4 stars). 2 submissions from 2 submitters: Uncertain significance (1); Likely benign (1). Last evaluated 2025-08-13.

Conditions:
SREBF2-related disorder. Also called: SREBF2-related condiiton.

Allele frequency attached by ClinVar (database versions not stated): gnomAD exomes 0.00007; ExAC 0.00013; 1000 Genomes Project 0.00040; ESP Exome Variant Server 0.00046; 1000 Genomes Project 30x 0.00062; gnomAD 0.00062; TOPMed 0.00073.
gnomAD v4.1: 200 of 1,614,212 alleles (0.012%); highest among the groups gnomAD compares: African/African-American, 0.25%; no homozygotes.

Submissions (2):

PreventionGenetics, part of Exact Sciences
Classification: Likely benign for SREBF2-related condition. Last evaluated: 2025-08-13. Review status: criteria provided, single submitter. Criteria: ACMG Guidelines, 2015. Collection method: clinical testing. Allele origin: germline.
Comment: This variant is classified as likely benign based on ACMG/AMP sequence variant interpretation guidelines (Richards et al. 2015 PMID: 25741868, with internal and published modifications).

Ambry Genetics
Classification: Uncertain significance. Last evaluated: 2023-12-22. Review status: criteria provided, single submitter. Criteria: Ambry Variant Classification Scheme 2023. Collection method: clinical testing. Allele origin: germline.